The following is an entry in ClinVar:

ClinVar aggregate classification (germline): Uncertain significance. Review status: criteria provided, multiple submitters, no conflicts (2 of 4 stars). 2 submissions from 2 submitters: Uncertain significance (2). Last evaluated 2025-10-09.

Allele frequency attached by ClinVar (database versions not stated): TOPMed below 0.00001; gnomAD 0.00001; gnomAD exomes below 0.00001.
gnomAD v4.1: 2 of 1,007,558 alleles (0.0002%); highest among the groups gnomAD compares: Admixed American, 0.006%; no homozygotes.

Submissions (2):

Labcorp Genetics (formerly Invitae), Labcorp
Classification: Uncertain significance. Last evaluated: 2025-10-09. Review status: criteria provided, single submitter. Criteria: Invitae Variant Classification Sherloc (09022015). Collection method: clinical testing. Allele origin: germline.
Comment: This sequence change replaces glycine, which is neutral and non-polar, with valine, which is neutral and non-polar, at codon 34 of the NR2F1 protein (p.Gly34Val). The frequency data for this variant in the population databases is considered unreliable, as metrics indicate insufficient coverage at this position in the gnomAD database. This variant has not been reported in the literature in individuals affected with NR2F1-related conditions. ClinVar contains an entry for this variant (Variation ID: 1311857). Invitae Evidence Modeling of protein sequence and biophysical properties (such as structural, functional, and spatial information, amino acid conservation, physicochemical variation, residue mobility, and thermodynamic stability) indicates that this missense variant is not expected to disrupt NR2F1 protein function with a negative predictive value of 80%. In summary, the available evidence is currently insufficient to determine the role of this variant in disease. Therefore, it has been classified as a Variant of Uncertain Significance.

GeneDx
Classification: Uncertain significance. Last evaluated: 2020-02-14. Review status: criteria provided, single submitter. Criteria: GeneDx Variant Classification Process June 2021. Collection method: clinical testing. Allele origin: germline. Affected: yes.
Comment: Not observed in large population cohorts (Lek et al., 2016); In silico analysis supports that this missense variant does not alter protein structure/function; Has not been previously published as pathogenic or benign to our knowledge

NM_005654.6(NR2F1):c.101G>T (p.Gly34Val)

Genes: NR2F1 (nuclear receptor subfamily 2 group F member 1; plus strand), NR2F1-AS1 (NR2F1 regulatory antisense RNA 1; minus strand). Cytogenetic location: 5q15.
Variant type: single nucleotide variant.
Coding change: c.101G>T on transcript NM_005654.6 (MANE Select); coding-DNA position 101, G replaced by T.
Protein change: p.Gly34Val; replaces glycine 34 with valine.
Molecular consequence: missense variant.
Genome position (GRCh38, 1-based): chr5:93,585,124, G>T. VCF-style: chr5-93585124-G-T. GRCh37 (hg19) VCF-style: chr5-92920830-G-T.
Other names: short protein forms G34V.
Identifiers: ClinVar variation 1311857 (VCV001311857.5), dbSNP rs1753206176, ClinGen allele CA360525526.